The following is an entry in ClinVar:

ClinVar aggregate classification (germline): Uncertain significance (1 of 4 stars; one submission).

Submission:

GeneDx
Classification: Uncertain significance. Last evaluated: 2023-06-01. Review status: criteria provided, single submitter. Criteria: GeneDx Variant Classification Process June 2021. Collection method: clinical testing. Allele origin: germline. Affected: yes.
Comment: Not observed at significant frequency in large population cohorts (gnomAD); In silico analysis supports that this missense variant has a deleterious effect on protein structure/function; Has not been previously published as pathogenic or benign to our knowledge; This variant is associated with the following publications: (PMID: 28545555)

NM_017654.4(SAMD9):c.1330C>T (p.Pro444Ser)

Gene: SAMD9 (sterile alpha motif domain containing 9; minus strand). Cytogenetic location: 7q21.2.
Variant type: single nucleotide variant.
Coding change: c.1330C>T on transcript NM_017654.4 (MANE Select); coding-DNA position 1330, C replaced by T.
Protein change: p.Pro444Ser; replaces proline 444 with serine.
Molecular consequence: missense variant.
Genome position (GRCh38, 1-based): chr7:93,104,768, G>A on the plus strand (C>T on the coding strand, the complement: SAMD9 is on the minus strand). VCF-style: chr7-93104768-G-A. GRCh37 (hg19) VCF-style: chr7-92734081-G-A.
Other names: c.1330C>T, p.Pro444Ser (NM_001193307.2); short protein forms P444S.
Identifiers: ClinVar variation 3359364 (VCV003359364.1).